The following is an entry in ClinVar:

ClinVar aggregate classification (germline): Uncertain significance (1 of 4 stars; one submission).

Conditions:
Malignant hyperthermia, susceptibility to, 1 (MHS1). Also called: Anesthesia related hyperthermia; Malignant hyperpyrexia; Fulminating hyperpyrexia; Pharmacogenic myopathy; RYR1-Related Malignant Hyperthermia Susceptibility; Malignant hyperthermia suceptibility 1. Identifiers: Orphanet 423, MedGen C2930980, MONDO:0007783, OMIM 145600.

Submission:

All of Us Research Program, National Institutes of Health
Classification: Uncertain significance for Malignant hyperthermia, susceptibility to, 1. Last evaluated: 2024-01-11. Review status: criteria provided, single submitter. Criteria: ACMG Guidelines, 2015. Collection method: clinical testing. Allele origin: germline. Inheritance: Autosomal dominant inheritance. Observed: 1 variant allele, 1 heterozygote.
Comment: This study involves interpretation of variants in research participants for the purpose of population health screening. Participant phenotype was not available at the time of variant classification. Additional details can be found in publication PMID: 35346344, PMCID: PMC8962531

NM_000540.3(RYR1):c.1717G>A (p.Val573Ile)

Gene: RYR1 (ryanodine receptor 1; plus strand). Cytogenetic location: 19q13.2.
Variant type: single nucleotide variant.
Coding change: c.1717G>A on transcript NM_000540.3 (MANE Select); coding-DNA position 1717, G replaced by A.
Protein change: p.Val573Ile; replaces valine 573 with isoleucine.
Molecular consequence: missense variant.
Genome position (GRCh38, 1-based): chr19:38,455,677, G>A. VCF-style: chr19-38455677-G-A. GRCh37 (hg19) VCF-style: chr19-38946317-G-A.
Other names: c.1717G>A, p.Val573Ile (NM_001042723.2); short protein forms V573I.
Identifiers: ClinVar variation 3075002 (VCV003075002.1), dbSNP rs2514027981, ClinGen allele CA405691230.
Genomic context (GRCh38, chr19:38,455,677, plus strand): 5'-CTGGGCACCCTGGCAGGCATCCTGGAGGTCCTGTACTGTGTCCTCATTGAGAGTCCAGAG[G>A]TTCTGAACATCATCCAGGAGAATCACATCAAGTCCATCATCTCCCTCCTGGACAAGCATG-3'
Protein context (NP_000531.2, residues 563-583): LYCVLIESPE[Val573Ile]LNIIQENHIK